The following is an entry in ClinVar:

NM_001145026.2(PTPRQ):c.5728G>T (p.Val1910Phe)

Gene: PTPRQ (protein tyrosine phosphatase receptor type Q; plus strand). Cytogenetic location: 12q21.31.
Variant type: single nucleotide variant.
Coding change: c.5728G>T on transcript NM_001145026.2 (MANE Select); coding-DNA position 5728, G replaced by T.
Protein change: p.Val1910Phe; replaces valine 1910 with phenylalanine.
Molecular consequence: missense variant.
Genome position (GRCh38, 1-based): chr12:80,632,233, G>T. VCF-style: chr12-80632233-G-T. GRCh37 (hg19) VCF-style: chr12-81026012-G-T.
Other names: short protein forms V1910F.
Identifiers: ClinVar variation 1693038 (VCV001693038.5), dbSNP rs149569400, ClinGen allele CA6702867.

ClinVar aggregate classification (germline): Uncertain significance. Review status: criteria provided, multiple submitters, no conflicts (2 of 4 stars). 3 submissions from 3 submitters: Uncertain significance (3). Last evaluated 2026-05-28.

Conditions:
PTPRQ-related disorder. Also called: PTPRQ-related condition.

Allele frequency attached by ClinVar (database versions not stated): 1000 Genomes Project 30x 0.00078; 1000 Genomes Project 0.00080.
gnomAD v4.1: 394 of 1,551,338 alleles (0.025%); highest among the groups gnomAD compares: East Asian, 0.95%; 2 homozygotes.

Submissions (3):

PreventionGenetics, part of Exact Sciences
Classification: Uncertain significance for PTPRQ-related condition. Last evaluated: 2026-05-28. Review status: criteria provided, single submitter. Criteria: ACMG Guidelines, 2015. Collection method: clinical testing. Allele origin: germline.
Comment: The PTPRQ c.5728G>T variant is predicted to result in the amino acid substitution p.Val1910Phe. To our knowledge, this variant has not been reported in the literature. This variant is reported in 0.16% of alleles in individuals of East Asian descent in gnomAD. Although this variant may be benign, at this time, the clinical significance of this variant is uncertain due to the absence of conclusive functional and genetic evidence.

GeneDx
Classification: Uncertain significance. Last evaluated: 2024-12-05. Review status: criteria provided, single submitter. Criteria: GeneDx Variant Classification Process June 2021. Collection method: clinical testing. Allele origin: germline. Affected: yes.
Comment: In silico analysis supports that this missense variant has a deleterious effect on protein structure/function; Has not been previously published as pathogenic or benign to our knowledge

Blueprint Genetics
Classification: Uncertain significance. Last evaluated: 2024-11-18. Review status: criteria provided, single submitter. Criteria: ACMG Guidelines, 2015. Collection method: clinical testing. Allele origin: germline.